The following is an entry in ClinVar:

ClinVar aggregate classification (germline): Uncertain significance (1 of 4 stars; one submission).

Conditions:
TCF20-related disorder. Also called: TCF20-related condition.

Allele frequency attached by ClinVar (database versions not stated): ExAC 0.00001.

Submission:

PreventionGenetics, part of Exact Sciences
Classification: Uncertain significance for TCF20-related condition. Last evaluated: 2023-08-28. Review status: criteria provided, single submitter. Criteria: ACMG Guidelines, 2015. Collection method: clinical testing. Allele origin: germline.
Comment: The TCF20 c.1871A>G variant is predicted to result in the amino acid substitution p.Asp624Gly. To our knowledge, this variant has not been reported in the literature. This variant is reported in 0.0029% of alleles in individuals of Latino descent in gnomAD. At this time, the clinical significance of this variant is uncertain due to the absence of conclusive functional and genetic evidence.

NM_001378418.1(TCF20):c.1871A>G (p.Asp624Gly)

Gene: TCF20 (transcription factor 20; minus strand). Cytogenetic location: 22q13.2.
Variant type: single nucleotide variant.
Coding change: c.1871A>G on transcript NM_001378418.1 (MANE Select); coding-DNA position 1871, A replaced by G.
Protein change: p.Asp624Gly; replaces aspartic acid 624 with glycine.
Molecular consequence: missense variant.
Genome position (GRCh38, 1-based): chr22:42,213,435, T>C on the plus strand (A>G on the coding strand, the complement: TCF20 is on the minus strand). VCF-style: chr22-42213435-T-C. GRCh37 (hg19) VCF-style: chr22-42609441-T-C.
Other names: c.1871A>G, p.Asp624Gly (NM_005650.4, NM_181492.3); short protein forms D624G.
Identifiers: ClinVar variation 2631208 (VCV002631208.1), dbSNP rs747031997, ClinGen allele CA10267099.